The following is an entry in ClinVar:

NM_001005242.3(PKP2):c.1019C>T (p.Thr340Ile)

Gene: PKP2 (plakophilin 2; minus strand). Cytogenetic location: 12p11.21.
Variant type: single nucleotide variant.
Coding change: c.1019C>T on transcript NM_001005242.3 (MANE Select); coding-DNA position 1019, C replaced by T.
Protein change: p.Thr340Ile; replaces threonine 340 with isoleucine.
Molecular consequence: missense variant.
Genome position (GRCh38, 1-based): chr12:32,877,861, G>A on the plus strand (C>T on the coding strand, the complement: PKP2 is on the minus strand). VCF-style: chr12-32877861-G-A. GRCh37 (hg19) VCF-style: chr12-33030795-G-A.
Other names: c.1019C>T (NM_004572.3); c.1019C>T, p.Thr340Ile (NM_004572.4); short protein forms T340I.
Identifiers: ClinVar variation 1479562 (VCV001479562.8), dbSNP rs1592762999, ClinGen allele CA384361618.

ClinVar aggregate classification (germline): Uncertain significance. Review status: criteria provided, multiple submitters, no conflicts (2 of 4 stars). 2 submissions from 2 submitters: Uncertain significance (2). Last evaluated 2026-09-11.

Conditions:
Arrhythmogenic right ventricular dysplasia 9 (ARVD9). Also called: Arrhythmogenic Right Ventricular Dysplasia/Cardiomyopathy 9; ARRHYTHMOGENIC RIGHT VENTRICULAR DYSPLASIA, FAMILIAL, 9. Identifiers: MedGen C1836906, MONDO:0012180, OMIM 609040.
Cardiovascular phenotype. Identifiers: MedGen CN230736.

Submissions (2):

Ambry Genetics
Classification: Uncertain significance for Cardiovascular phenotype. Last evaluated: 2026-09-11. Review status: criteria provided, single submitter. Criteria: Ambry Variant Classification Scheme 2023. Collection method: clinical testing. Allele origin: germline.
Comment: The p.T340I variant (also known as c.1019C>T), located in coding exon 3 of the PKP2 gene, results from a C to T substitution at nucleotide position 1019. The threonine at codon 340 is replaced by isoleucine, an amino acid with similar properties. This amino acid position is conserved. In addition, this alteration is predicted to be tolerated by in silico analysis. Based on the available evidence, the clinical significance of this variant remains unclear.

Labcorp Genetics (formerly Invitae), Labcorp
Classification: Uncertain significance for Arrhythmogenic right ventricular dysplasia 9. Last evaluated: 2022-12-06. Review status: criteria provided, single submitter. Criteria: Invitae Variant Classification Sherloc (09022015). Collection method: clinical testing. Allele origin: germline.
Comment: This sequence change replaces threonine, which is neutral and polar, with isoleucine, which is neutral and non-polar, at codon 340 of the PKP2 protein (p.Thr340Ile). This variant is not present in population databases (gnomAD no frequency). In summary, the available evidence is currently insufficient to determine the role of this variant in disease. Therefore, it has been classified as a Variant of Uncertain Significance. Algorithms developed to predict the effect of missense changes on protein structure and function (SIFT, PolyPhen-2, Align-GVGD) all suggest that this variant is likely to be tolerated. ClinVar contains an entry for this variant (Variation ID: 1479562). This variant has not been reported in the literature in individuals affected with PKP2-related conditions.